The following is an entry in ClinVar:

NM_000138.5(FBN1):c.4607T>G (p.Leu1536Trp)

Gene: FBN1 (fibrillin 1; minus strand). Cytogenetic location: 15q21.1.
Variant type: single nucleotide variant.
Coding change: c.4607T>G on transcript NM_000138.5 (MANE Select); coding-DNA position 4607, T replaced by G.
Protein change: p.Leu1536Trp; replaces leucine 1536 with tryptophan.
Molecular consequence: missense variant.
Genome position (GRCh38, 1-based): chr15:48,468,078, A>C on the plus strand (T>G on the coding strand, the complement: FBN1 is on the minus strand). VCF-style: chr15-48468078-A-C. GRCh37 (hg19) VCF-style: chr15-48760275-A-C.
Other names: short protein forms L1536W.
Identifiers: ClinVar variation 963073 (VCV000963073.9), dbSNP rs2043337989, ClinGen allele CA392353136.

ClinVar aggregate classification (germline): Uncertain significance (1 of 4 stars; one submission).

Conditions:
Marfan syndrome (MFS). Also called: FBN1-Related Marfan Syndrome; MARFAN SYNDROME, TYPE I; Marfan syndrome type 1; Marfan's syndrome; Marfan syndrome, classic. Identifiers: Orphanet 284963, Orphanet 558, MedGen C0024796, MONDO:0007947, OMIM 154700.
Familial thoracic aortic aneurysm and aortic dissection (TAAD). Also called: Thoracic aortic aneurysms and dissections. Identifiers: Orphanet 91387, MedGen C4707243, MONDO:0019625.

Submission:

Labcorp Genetics (formerly Invitae), Labcorp
Classification: Uncertain significance for Marfan syndrome; Familial thoracic aortic aneurysm and aortic dissection. Last evaluated: 2022-08-23. Review status: criteria provided, single submitter. Criteria: Invitae Variant Classification Sherloc (09022015). Collection method: clinical testing. Allele origin: germline.
Comment: This variant is not present in population databases (gnomAD no frequency). This sequence change replaces leucine, which is neutral and non-polar, with tryptophan, which is neutral and slightly polar, at codon 1536 of the FBN1 protein (p.Leu1536Trp). This variant has not been reported in the literature in individuals affected with FBN1-related conditions. ClinVar contains an entry for this variant (Variation ID: 963073). Advanced modeling of protein sequence and biophysical properties (such as structural, functional, and spatial information, amino acid conservation, physicochemical variation, residue mobility, and thermodynamic stability) performed at Invitae indicates that this missense variant is expected to disrupt FBN1 protein function. In summary, the available evidence is currently insufficient to determine the role of this variant in disease. Therefore, it has been classified as a Variant of Uncertain Significance.